The following is an entry in ClinVar:

NM_001134363.3(RBM20):c.1724A>C (p.Gln575Pro)

Gene: RBM20 (RNA binding motif protein 20; plus strand). Cytogenetic location: 10q25.2.
Variant type: single nucleotide variant.
Coding change: c.1724A>C on transcript NM_001134363.3 (MANE Select); coding-DNA position 1724, A replaced by C.
Protein change: p.Gln575Pro; replaces glutamine 575 with proline.
Molecular consequence: missense variant.
Genome position (GRCh38, 1-based): chr10:110,799,842, A>C. VCF-style: chr10-110799842-A-C. GRCh37 (hg19) VCF-style: chr10-112559600-A-C.
Other names: short protein forms Q575P.
Identifiers: ClinVar variation 3702538 (VCV003702538.2).

ClinVar aggregate classification (germline): Uncertain significance (1 of 4 stars; one submission).

Conditions:
Dilated cardiomyopathy 1DD (CMD1DD). Identifiers: Orphanet 154, MedGen C2750995, MONDO:0013168, OMIM 613172.

gnomAD v4.1: 1 of 1,551,938 alleles (0.000064%); highest among the groups gnomAD compares: Admixed American, 0.002%; no homozygotes.

Submission:

Labcorp Genetics (formerly Invitae), Labcorp
Classification: Uncertain significance for Dilated cardiomyopathy 1DD. Last evaluated: 2024-04-16. Review status: criteria provided, single submitter. Criteria: Invitae Variant Classification Sherloc (09022015). Collection method: clinical testing. Allele origin: germline.
Comment: This sequence change replaces glutamine, which is neutral and polar, with proline, which is neutral and non-polar, at codon 575 of the RBM20 protein (p.Gln575Pro). This variant is not present in population databases (gnomAD no frequency). This variant has not been reported in the literature in individuals affected with RBM20-related conditions. Advanced modeling of protein sequence and biophysical properties (such as structural, functional, and spatial information, amino acid conservation, physicochemical variation, residue mobility, and thermodynamic stability) performed at Invitae indicates that this missense variant is not expected to disrupt RBM20 protein function with a negative predictive value of 95%. In summary, the available evidence is currently insufficient to determine the role of this variant in disease. Therefore, it has been classified as a Variant of Uncertain Significance.